The following is an entry in ClinVar:

NM_001851.6(COL9A1):c.14G>A (p.Trp5Ter)

Gene: COL9A1 (collagen type IX alpha 1 chain; minus strand). Cytogenetic location: 6q13.
Variant type: single nucleotide variant.
Coding change: c.14G>A on transcript NM_001851.6 (MANE Select); coding-DNA position 14, G replaced by A.
Protein change: p.Trp5Ter; replaces tryptophan 5 with a stop codon.
Molecular consequence: nonsense.
Genome position (GRCh38, 1-based): chr6:70,302,911, C>T on the plus strand (G>A on the coding strand, the complement: COL9A1 is on the minus strand). VCF-style: chr6-70302911-C-T. GRCh37 (hg19) VCF-style: chr6-71012614-C-T.
Other names: c.14G>A, p.Trp5Ter (NM_001377291.1); short protein forms W5*.
Identifiers: ClinVar variation 1388848 (VCV001388848.9), dbSNP rs770789859, ClinGen allele CA3882993.

ClinVar aggregate classification (germline): Pathogenic/Likely pathogenic. Review status: criteria provided, multiple submitters, no conflicts (2 of 4 stars). 5 submissions from 5 submitters: Pathogenic (3); Likely pathogenic (2). Last evaluated 2026-01-07.

Conditions:
COL9A1-related disorder. Also called: COL9A1-related condition; COL9A1-related disorders.
Stickler syndrome, type 4 (STL4). Identifiers: Orphanet 250984, Orphanet 828, MedGen C3279941, MONDO:0013590, OMIM 614134.
Epiphyseal dysplasia, multiple, 6. Also called: COL9A1-Related Multiple Epiphyseal Dysplasia. Identifiers: MedGen C2675767, MONDO:0013591, OMIM 614135.

Allele frequency attached by ClinVar (database versions not stated): gnomAD exomes below 0.00001; ExAC 0.00001.
gnomAD v4.1: 4 of 1,614,056 alleles (0.00025%); highest among the groups gnomAD compares: East Asian, 0.0022%; no homozygotes.

Submissions (5):

Labcorp Genetics (formerly Invitae), Labcorp
Classification: Pathogenic. Last evaluated: 2026-01-07. Review status: criteria provided, single submitter. Criteria: Invitae Variant Classification Sherloc (09022015). Collection method: clinical testing. Allele origin: germline.
Comment: This sequence change creates a premature translational stop signal (p.Trp5*) in the COL9A1 gene. It is expected to result in an absent or disrupted protein product. Loss-of-function variants in COL9A1 are known to be pathogenic (PMID: 16909383, 21421862). This variant is present in population databases (rs770789859, gnomAD 0.006%). This variant has not been reported in the literature in individuals affected with COL9A1-related conditions. ClinVar contains an entry for this variant (Variation ID: 1388848). Algorithms developed to predict the effect of sequence changes on RNA splicing suggest that this variant may disrupt the consensus splice site. For these reasons, this variant has been classified as Pathogenic.

First Genomix Gene Laboratory, Genetic Diagnostics Department
Classification: Likely pathogenic for Stickler syndrome, type 4. Last evaluated: 2025-01-08. Review status: criteria provided, single submitter. Criteria: ACMG Guidelines, 2015. Collection method: clinical testing. Allele origin: germline. Inheritance: Autosomal recessive inheritance. Affected: no. Observed: 1 variant allele.

Fulgent Genetics
Classification: Pathogenic for Stickler syndrome, type 4; Epiphyseal dysplasia, multiple, 6. Last evaluated: 2022-02-08. Review status: criteria provided, single submitter. Criteria: ACMG Guidelines, 2015. Collection method: clinical testing. Allele origin: unknown.

Blueprint Genetics
Classification: Likely pathogenic for COL9A1-related disorders. Last evaluated: 2022-01-12. Review status: criteria provided, single submitter. Criteria: ACMG Guidelines, 2015. Collection method: clinical testing. Allele origin: germline. Affected: yes. Observed: 5 variant alleles.

Clinical Biomedical Laboratory, Shriners Hospital For Children - Canada
Classification: Pathogenic for Stickler syndrome, type 4. Review status: criteria provided, single submitter. Criteria: ACMG Guidelines, 2015. Collection method: clinical testing. Allele origin: germline. Affected: yes.
Comment: This variant is predicted to introduce a premature stop codon in the gene coding for the collagen type IX alpha1 chain. This is expected to lead to degradation of the affected transcript and loss of function. In the Genome Aggregation Database (gnomAD v2.1.1) this variant is present at a frequency of 0%, indicating it is very rare. This variant has been published in homozygous form in individuals with recessive Stickler syndrome (PMID 21421862). Based on the ACMG variant interpretation guidelines (criteria: PVS1, PS3, PM2, PP3), this is a pathogenic variant.

Literature cited by the submitters: PubMed 16909383 (cited by Labcorp Genetics (formerly Invitae), Labcorp); PubMed 21421862 (cited by Labcorp Genetics (formerly Invitae), Labcorp).